The following is an entry in ClinVar:

ClinVar aggregate classification (germline): Uncertain significance (1 of 4 stars; one submission).

Allele frequency attached by ClinVar (database versions not stated): gnomAD exomes below 0.00001; ExAC 0.00001; gnomAD 0.00001.
gnomAD v4.1: 2 of 1,612,682 alleles (0.00012%); highest among the groups gnomAD compares: Non-Finnish European, 0.00017%; no homozygotes.

Submission:

Labcorp Genetics (formerly Invitae), Labcorp
Classification: Uncertain significance. Last evaluated: 2021-07-13. Review status: criteria provided, single submitter. Criteria: Invitae Variant Classification Sherloc (09022015). Collection method: clinical testing. Allele origin: germline.
Comment: This variant is present in population databases (rs756020176, ExAC 0.002%). This sequence change replaces lysine with threonine at codon 267 of the TONSL protein (p.Lys267Thr). The lysine residue is highly conserved and there is a moderate physicochemical difference between lysine and threonine. This variant has not been reported in the literature in individuals with TONSL-related conditions. Algorithms developed to predict the effect of missense changes on protein structure and function (SIFT, PolyPhen-2, Align-GVGD) all suggest that this variant is likely to be disruptive, but these predictions have not been confirmed by published functional studies and their clinical significance is uncertain. In summary, the available evidence is currently insufficient to determine the role of this variant in disease. Therefore, it has been classified as a Variant of Uncertain Significance.

NM_013432.5(TONSL):c.800A>C (p.Lys267Thr)

Gene: TONSL (tonsoku like, DNA repair protein; minus strand). Cytogenetic location: 8q24.3.
Variant type: single nucleotide variant.
Coding change: c.800A>C on transcript NM_013432.5 (MANE Select); coding-DNA position 800, A replaced by C.
Protein change: p.Lys267Thr; replaces lysine 267 with threonine.
Molecular consequence: missense variant.
Genome position (GRCh38, 1-based): chr8:144,442,102, T>G on the plus strand (A>C on the coding strand, the complement: TONSL is on the minus strand). VCF-style: chr8-144442102-T-G. GRCh37 (hg19) VCF-style: chr8-145667485-T-G.
Other names: short protein forms K267T.
Identifiers: ClinVar variation 1386716 (VCV001386716.8), dbSNP rs756020176, ClinGen allele CA4943493.
Genomic context (GRCh38, chr8:144,442,102, plus strand): 5'-TGGAGGTTCTGACAGATGGCTGCCCTCTGCACAGGCTTCTGGGAGCCCAGCCTGTAGGCC[T>G]TCTTCAGGGCTCGCTTGGCAGCCAAAAAGTCTCCCAGGTCTTGGAGGACCTGGAGAGCAA-3'
Protein context (NP_038460.4, residues 257-277): DFLAAKRALK[Lys267Thr]AYRLGSQKPV